The following is an entry in ClinVar:

ClinVar aggregate classification (germline): Likely pathogenic. Review status: reviewed by expert panel (3 of 4 stars). 4 submissions from 4 submitters: Likely pathogenic (1). 3 of the submissions do not count toward it. Last evaluated 2025-09-02.

Conditions:
Glycogen storage disease, type II (IOPD). Also called: Glucosidase acid-1,4-alpha deficiency; CARDIOMEGALIA GLYCOGENICA DIFFUSA; GLYCOGENOSIS, GENERALIZED, CARDIAC FORM; GSD II; Glycogen storage disease type 2; Acid maltase deficiency disease. Identifiers: Orphanet 365, MedGen C0017921, MONDO:0009290, OMIM 232300.

Allele frequency attached by ClinVar (database versions not stated): gnomAD exomes below 0.00001.
gnomAD v4.1: 3 of 1,613,732 alleles (0.00019%); highest among the groups gnomAD compares: Non-Finnish European, 0.00025%; no homozygotes.

Submissions (4):

ClinGen Lysosomal Storage Disorder Variant Curation Expert Panel
Classification: Likely pathogenic for Glycogen storage disease, type II. Last evaluated: 2025-09-02. Review status: reviewed by expert panel. Criteria: clingen_lsd_acmg_specifications_v2-1. Collection method: curation. Allele origin: germline. Inheritance: Autosomal recessive inheritance.
Comment: The NM_000152.5:c.1000G>T variant in GAA is a missense variant predicted to cause substitution of glycine by cysteine at amino acid 334 (p.Gly334Cys). It has been reported in two individuals in the literature with infantile-onset Pompe disease, at least one of whom is receiving enzyme replacement therapy (PMIDs: 28196920, 39835171) (PP4_moderate). Both individuals were compound heterozygous for the variant and c.[271G>A, 307T>G] p.[Asp91Asn, Cys103Gly], phase unreported; c.307T>G (p.Cys103Gly) is classified as pathogenic by the ClinGen LD VCEP (PM3). This variant has also been reported in infantile-onset Pompe disease in the Pompe Variant Database (PMIDs: 31342611, 33560568). The highest population minor allele frequency in gnomAD v4.1.0. is 0.0000025 (3/1180038 alleles) in the Non-Finnish European population, which is lower than the ClinGen Lysosomal Diseases VCEP’s threshold for PM2_Supporting (<0.001), meeting this criterion (PM2_Supporting). When expressed in HEK293 cells using a previously published in vitro assay (PMID: 36246652), GAA enzyme activity was undetectable when compared to wild type and no GAA protein was detectable on western blot (unpublished data) (PS3_moderate). The computational predictor REVEL gives a score of 0.854, which is above the threshold of 0.7, evidence that correlates with impact to GAA function (PP3). There is a ClinVar entry for this variant (Variation ID: 284864). In summary, this variant meets the criteria to be classified as likely pathogenic for Pompe disease based on the GAA-specific ACMG/AMP criteria applied, as specified by the ClinGen Lysosomal Diseases Variant Curation Expert Panel (Specifications Version 2.0): PP4_moderate, PM3, PS3_moderate, PM2_supporting, PP3. (Classification approved by the ClinGen Lysosomal Diseases Variant Curation Expert Panel, Sept. 2, 2025)

Genomenon, Inc
Classification: Uncertain significance for Glycogen storage disease, type II. Last evaluated: 2026-07-01. Review status: criteria provided, single submitter. Criteria: Genomenon Sequence Variant Interpretation Standards - Updated. Collection method: curation. Allele origin: germline. Affected: yes. Not counted in ClinVar's aggregate classification.
Comment: GAA p.Gly334Cys (c.1000G>T) is a missense variant that changes the amino acid at codon 334 from Glycine to Cysteine. This variant has been observed in at least one proband with a GAA-related disorder (PMID:39835171;33972680). The presence of pathogenic/likely pathogenic missense variant(s) at the same amino acid position indicates that this residue is likely important for protein function. It is absent or not present at a significant frequency in gnomAD. In silico models predict that this variant is possibly or probably damaging. In conclusion, we classify GAA p.Gly334Cys (c.1000G>T) as a variant of uncertain significance.

Women's Health and Genetics/Laboratory Corporation of America, LabCorp
Classification: Uncertain significance. Last evaluated: 2023-11-29. Review status: criteria provided, single submitter. Criteria: LabCorp Variant Classification Summary - May 2015. Collection method: clinical testing. Allele origin: germline. Not counted in ClinVar's aggregate classification.
Comment: Variant summary: GAA c.1000G>T (p.Gly334Cys) results in a non-conservative amino acid change in the encoded protein sequence. Five of five in-silico tools predict a damaging effect of the variant on protein function. The variant was absent in 251168 control chromosomes (gnomAD). c.1000G>T has been reported in the literature in at least two compound heterozygous individuals affected with Glycogen Storage Disease, Type 2 (Pompe Disease) (e.g., Lin_2017, Reuser_2019, deFaria_2021, Viamonte_2021). These data indicate that the variant may be associated with disease. At least one publication reports experimental evidence evaluating an impact on protein function, however, does not allow convincing conclusions about the variant effect as GAA activity was only measured in compound heterozygous patient samples with other missense variant(s) in trans (e.g., Lin_2017, Viamonte_2021). The following publications have been ascertained in the context of this evaluation (PMID: 28196920, 31342611, 33972680, 33560568). One submitter has reported clinical-significance assessments for this variant to ClinVar after 2014 and has classified the variant as uncertain significance. Based on the evidence outlined above, the variant was classified as VUS-possibly pathogenic.

Eurofins Ntd Llc (ga)
Classification: Uncertain significance. Last evaluated: 2015-11-25. Review status: criteria provided, single submitter. Criteria: EGL Classification Definitions 2015. Collection method: clinical testing. Allele origin: germline. Observed: 1 variant allele, 1 heterozygote. Not counted in ClinVar's aggregate classification.

Literature cited by the submitters: PubMed 39835171 (cited by Genomenon, Inc); PubMed 33972680 (cited by Genomenon, Inc and Women's Health and Genetics/Laboratory Corporation of America, LabCorp); PubMed 28196920 (cited by Women's Health and Genetics/Laboratory Corporation of America, LabCorp); PubMed 31342611 (cited by Women's Health and Genetics/Laboratory Corporation of America, LabCorp); PubMed 33560568 (cited by Women's Health and Genetics/Laboratory Corporation of America, LabCorp).

NM_000152.5(GAA):c.1000G>T (p.Gly334Cys)

Gene: GAA (alpha glucosidase; plus strand). Cytogenetic location: 17q25.3.
Variant type: single nucleotide variant.
Coding change: c.1000G>T on transcript NM_000152.5 (MANE Select); coding-DNA position 1000, G replaced by T.
Protein change: p.Gly334Cys; replaces glycine 334 with cysteine.
Molecular consequence: missense variant.
Genome position (GRCh38, 1-based): chr17:80,108,334, G>T. VCF-style: chr17-80108334-G-T. GRCh37 (hg19) VCF-style: chr17-78082133-G-T.
Other names: NM_000152.5(GAA):c.1000G>T; p.Gly334Cys; c.1000G>T, p.Gly334Cys (NM_001079803.3, NM_001079804.3); short protein forms G334C.
Identifiers: ClinVar variation 284864 (VCV000284864.7), dbSNP rs886042960, ClinGen allele CA10604927.